The following is an entry in ClinVar:

ClinVar aggregate classification (germline): Likely pathogenic (1 of 4 stars; one submission).

Conditions:
Hyperekplexia 3 (HKPX3). Also called: HYPEREKPLEXIA 3, AUTOSOMAL RECESSIVE; HYPEREKPLEXIA 3, AUTOSOMAL DOMINANT. Identifiers: Orphanet 3197, MedGen C3553288, MONDO:0013827, OMIM 614618.

Submission:

Labcorp Genetics (formerly Invitae), Labcorp
Classification: Likely pathogenic for Hyperekplexia 3. Last evaluated: 2022-10-28. Review status: criteria provided, single submitter. Criteria: Invitae Variant Classification Sherloc (09022015). Collection method: clinical testing. Allele origin: germline.
Comment: Experimental studies have shown that this missense change affects SLC6A5 function (PMID: 22700964). Advanced modeling of protein sequence and biophysical properties (such as structural, functional, and spatial information, amino acid conservation, physicochemical variation, residue mobility, and thermodynamic stability) performed at Invitae indicates that this missense variant is expected to disrupt SLC6A5 protein function. In summary, the currently available evidence indicates that the variant is pathogenic, but additional data are needed to prove that conclusively. Therefore, this variant has been classified as Likely Pathogenic. This sequence change replaces leucine, which is neutral and non-polar, with proline, which is neutral and non-polar, at codon 237 of the SLC6A5 protein (p.Leu237Pro). This variant is not present in population databases (gnomAD no frequency). This missense change has been observed in individual(s) with hyperekplexia (PMID: 22700964). In at least one individual the data is consistent with being in trans (on the opposite chromosome) from a pathogenic variant. ClinVar contains an entry for this variant (Variation ID: 1470289).

Literature cited by the submitters: PubMed 22700964.

NM_004211.5(SLC6A5):c.710T>C (p.Leu237Pro)

Gene: SLC6A5 (solute carrier family 6 member 5; plus strand). Cytogenetic location: 11p15.1.
Variant type: single nucleotide variant.
Coding change: c.710T>C on transcript NM_004211.5 (MANE Select); coding-DNA position 710, T replaced by C.
Protein change: p.Leu237Pro; replaces leucine 237 with proline.
Molecular consequence: missense variant.
Genome position (GRCh38, 1-based): chr11:20,607,037, T>C. VCF-style: chr11-20607037-T-C. GRCh37 (hg19) VCF-style: chr11-20628583-T-C.
Other names: c.8T>C, p.Leu3Pro (NM_001318369.2); short protein forms L237P, L3P.
Identifiers: ClinVar variation 1470289 (VCV001470289.6), dbSNP rs2133774690, ClinGen allele CA379913701.